The following is an entry in ClinVar:

ClinVar aggregate classification (germline): Conflicting classifications of pathogenicity. Review status: criteria provided, conflicting classifications (1 of 4 stars). 4 submissions from 4 submitters: Likely pathogenic (2); Uncertain significance (2). Last evaluated 2026-09-15.

Conditions:
PKD2-related disorder. Also called: PKD2-related condition.
Autosomal dominant polycystic kidney disease. Identifiers: Orphanet 730, MedGen C0085413, MONDO:0004691.
Polycystic kidney disease 2 (PKD2). Also called: Polycystic Kidney Disease 2, Autosomal Dominant; POLYCYSTIC KIDNEY DISEASE 2 WITH OR WITHOUT POLYCYSTIC LIVER DISEASE; POLYCYSTIC KIDNEY DISEASE, ADULT, TYPE II. Identifiers: MedGen C2751306, MONDO:0013131, OMIM 613095.

Allele frequency attached by ClinVar (database versions not stated): TOPMed 0.00001; ESP Exome Variant Server 0.00008.

Submissions (4):

GeneDx
Classification: Likely pathogenic. Last evaluated: 2026-09-15. Review status: criteria provided, single submitter. Criteria: GeneDx Variant Classification Process June 2021. Collection method: clinical testing. Allele origin: germline.
Comment: Identified in patients with renal cysts or a clinical diagnosis of polycystic kidney disease referred for genetic testing at GeneDx and in published literature (PMID: 29038287); Not observed at significant frequency in large population cohorts (gnomAD); In silico analysis supports that this missense variant has a deleterious effect on protein structure/function; This variant is associated with the following publications: (PMID: 29038287, Lim_2024, 38707809)

Labcorp Genetics (formerly Invitae), Labcorp
Classification: Uncertain significance for Autosomal dominant polycystic kidney disease. Last evaluated: 2023-03-20. Review status: criteria provided, single submitter. Criteria: Invitae Variant Classification Sherloc (09022015). Collection method: clinical testing. Allele origin: germline.
Comment: In summary, the available evidence is currently insufficient to determine the role of this variant in disease. Therefore, it has been classified as a Variant of Uncertain Significance. Advanced modeling of protein sequence and biophysical properties (such as structural, functional, and spatial information, amino acid conservation, physicochemical variation, residue mobility, and thermodynamic stability) performed at Invitae indicates that this missense variant is expected to disrupt PKD2 protein function. ClinVar contains an entry for this variant (Variation ID: 477621). This missense change has been observed in individual(s) with clinical features of PKD2-related conditions (PMID: 29038287; Invitae). It has also been observed to segregate with disease in related individuals. This variant is not present in population databases (gnomAD no frequency). This sequence change replaces glutamic acid, which is acidic and polar, with lysine, which is basic and polar, at codon 353 of the PKD2 protein (p.Glu353Lys).

Fulgent Genetics
Classification: Uncertain significance for Polycystic kidney disease 2. Last evaluated: 2021-09-22. Review status: criteria provided, single submitter. Criteria: ACMG Guidelines, 2015. Collection method: clinical testing. Allele origin: unknown.

Blueprint Genetics
Classification: Likely pathogenic for PKD2-related disorders. Last evaluated: 2020-12-31. Review status: criteria provided, single submitter. Criteria: ACMG Guidelines, 2015. Collection method: clinical testing. Allele origin: germline. Affected: yes. Observed: 2 variant alleles.

Literature cited by the submitters: PubMed 29038287 (cited by Labcorp Genetics (formerly Invitae), Labcorp).

NM_000297.4(PKD2):c.1057G>A (p.Glu353Lys)

Gene: PKD2 (polycystin 2, transient receptor potential cation channel; plus strand). Cytogenetic location: 4q22.1.
Variant type: single nucleotide variant.
Coding change: c.1057G>A on transcript NM_000297.4 (MANE Select); coding-DNA position 1057, G replaced by A.
Protein change: p.Glu353Lys; replaces glutamic acid 353 with lysine.
Molecular consequence: missense variant. On other transcripts: non-coding transcript variant (1).
Genome position (GRCh38, 1-based): chr4:88,038,464, G>A. VCF-style: chr4-88038464-G-A. GRCh37 (hg19) VCF-style: chr4-88959616-G-A.
Other names: short protein forms E353K.
Identifiers: ClinVar variation 477621 (VCV000477621.17), dbSNP rs375164861, ClinGen allele CA100891463.